The following is an entry in ClinVar:

NM_001278064.2(GRM1):c.3428C>T (p.Pro1143Leu)

Gene: GRM1 (glutamate metabotropic receptor 1; plus strand). Cytogenetic location: 6q24.3.
Variant type: single nucleotide variant.
Coding change: c.3428C>T on transcript NM_001278064.2 (MANE Select); coding-DNA position 3428, C replaced by T.
Protein change: p.Pro1143Leu; replaces proline 1143 with leucine.
Molecular consequence: missense variant. On other transcripts: 3 prime UTR variant (3).
Genome position (GRCh38, 1-based): chr6:146,434,639, C>T. VCF-style: chr6-146434639-C-T. GRCh37 (hg19) VCF-style: chr6-146755775-C-T.
Other names: c.*792C>T (NM_001278065.2); c.*757C>T (NM_001278066.1); c.*666C>T (NM_001278067.1); short protein forms P1143L.
Identifiers: ClinVar variation 2735368 (VCV002735368.5), dbSNP rs745881707, ClinGen allele CA4037705.

ClinVar aggregate classification (germline): Uncertain significance. Review status: criteria provided, multiple submitters, no conflicts (2 of 4 stars). 2 submissions from 2 submitters: Uncertain significance (2). Last evaluated 2023-06-11.

Conditions:
Spinocerebellar ataxia 44. Identifiers: Orphanet 631095, MedGen C4521563, MONDO:0033479, OMIM 617691.
Autosomal recessive spinocerebellar ataxia 13. Identifiers: Orphanet 324262, MedGen C3553816, MONDO:0013905, OMIM 614831.

Allele frequency attached by ClinVar (database versions not stated): ExAC 0.00004.
gnomAD v4.1: 9 of 1,611,078 alleles (0.00056%); highest among the groups gnomAD compares: East Asian, 0.018%; no homozygotes.

Submissions (2):

Labcorp Genetics (formerly Invitae), Labcorp
Classification: Uncertain significance. Last evaluated: 2023-06-11. Review status: criteria provided, single submitter. Criteria: Invitae Variant Classification Sherloc (09022015). Collection method: clinical testing. Allele origin: germline.
Comment: This variant is present in population databases (rs745881707, gnomAD 0.04%). This sequence change replaces proline, which is neutral and non-polar, with leucine, which is neutral and non-polar, at codon 1143 of the GRM1 protein (p.Pro1143Leu). This variant has not been reported in the literature in individuals affected with GRM1-related conditions. In summary, the available evidence is currently insufficient to determine the role of this variant in disease. Therefore, it has been classified as a Variant of Uncertain Significance. An algorithm developed to predict the effect of missense changes on protein structure and function (PolyPhen-2) suggests that this variant is likely to be tolerated.

Juno Genomics, Hangzhou Juno Genomics, Inc
Classification: Uncertain significance for Spinocerebellar ataxia 44; Autosomal recessive spinocerebellar ataxia 13. Review status: criteria provided, single submitter. Criteria: ACMG Guidelines, 2015. Collection method: clinical testing. Allele origin: germline.
Comment: Absent from controls (or at extremely low frequency if recessive) in Genome Aggregation Database.;Missense variant in a gene that has a low rate of benign missense variation.